The following is an entry in ClinVar:

ClinVar aggregate classification (germline): Uncertain significance (1 of 4 stars; one submission).

Conditions:
Adams-Oliver syndrome 5 (AOS5). Identifiers: Orphanet 974, MedGen C4014970, MONDO:0014459, OMIM 616028.

Submission:

Labcorp Genetics (formerly Invitae), Labcorp
Classification: Uncertain significance for Adams-Oliver syndrome 5. Last evaluated: 2019-06-24. Review status: criteria provided, single submitter. Criteria: Invitae Variant Classification Sherloc (09022015). Collection method: clinical testing. Allele origin: germline.
Comment: In summary, the available evidence is currently insufficient to determine the role of this variant in disease. Therefore, it has been classified as a Variant of Uncertain Significance. Algorithms developed to predict the effect of missense changes on protein structure and function output the following: SIFT: "Tolerated"; PolyPhen-2: "Benign"; Align-GVGD: "Class C0". The aspartic acid amino acid residue is found in multiple mammalian species, suggesting that this missense change does not adversely affect protein function. These predictions have not been confirmed by published functional studies and their clinical significance is uncertain. This variant has not been reported in the literature in individuals with NOTCH1-related conditions. The frequency data for this variant in the population databases is considered unreliable, as metrics indicate insufficient coverage at this position in the ExAC database. This sequence change replaces glutamic acid with aspartic acid at codon 1636 of the NOTCH1 protein (p.Glu1636Asp). The glutamic acid residue is weakly conserved and there is a small physicochemical difference between glutamic acid and aspartic acid.

NM_017617.5(NOTCH1):c.4908G>T (p.Glu1636Asp)

Gene: NOTCH1 (notch receptor 1; minus strand). Cytogenetic location: 9q34.3.
Variant type: single nucleotide variant.
Coding change: c.4908G>T on transcript NM_017617.5 (MANE Select); coding-DNA position 4908, G replaced by T.
Protein change: p.Glu1636Asp; replaces glutamic acid 1636 with aspartic acid.
Molecular consequence: missense variant.
Genome position (GRCh38, 1-based): chr9:136,504,783, C>A on the plus strand (G>T on the coding strand, the complement: NOTCH1 is on the minus strand). VCF-style: chr9-136504783-C-A. GRCh37 (hg19) VCF-style: chr9-139399235-C-A.
Other names: short protein forms E1636D.
Identifiers: ClinVar variation 938958 (VCV000938958.9), dbSNP rs1275439825, ClinGen allele CA375644420.